The following is an entry in ClinVar:

NM_005559.4(LAMA1):c.7066A>G (p.Ile2356Val)

Gene: LAMA1 (laminin subunit alpha 1; minus strand). Cytogenetic location: 18p11.31.
Variant type: single nucleotide variant.
Coding change: c.7066A>G on transcript NM_005559.4 (MANE Select); coding-DNA position 7066, A replaced by G.
Protein change: p.Ile2356Val; replaces isoleucine 2356 with valine.
Molecular consequence: missense variant.
Genome position (GRCh38, 1-based): chr18:6,965,417, T>C on the plus strand (A>G on the coding strand, the complement: LAMA1 is on the minus strand). VCF-style: chr18-6965417-T-C. GRCh37 (hg19) VCF-style: chr18-6965416-T-C.
Other names: short protein forms I2356V.
Identifiers: ClinVar variation 1407733 (VCV001407733.6), dbSNP rs1272667332, ClinGen allele CA401826617.

ClinVar aggregate classification (germline): Uncertain significance (1 of 4 stars; one submission).

Allele frequency attached by ClinVar (database versions not stated): gnomAD exomes below 0.00001.
gnomAD v4.1: 4 of 1,614,128 alleles (0.00025%); highest among the groups gnomAD compares: Admixed American, 0.0017%; no homozygotes.

Submission:

Labcorp Genetics (formerly Invitae), Labcorp
Classification: Uncertain significance. Last evaluated: 2022-08-16. Review status: criteria provided, single submitter. Criteria: Invitae Variant Classification Sherloc (09022015). Collection method: clinical testing. Allele origin: germline.
Comment: This variant is present in population databases (no rsID available, gnomAD 0.003%). This sequence change replaces isoleucine, which is neutral and non-polar, with valine, which is neutral and non-polar, at codon 2356 of the LAMA1 protein (p.Ile2356Val). In summary, the available evidence is currently insufficient to determine the role of this variant in disease. Therefore, it has been classified as a Variant of Uncertain Significance. This variant has not been reported in the literature in individuals affected with LAMA1-related conditions. ClinVar contains an entry for this variant (Variation ID: 1407733). Algorithms developed to predict the effect of missense changes on protein structure and function output the following: SIFT: "Tolerated"; PolyPhen-2: "Benign"; Align-GVGD: "Class C0". The valine amino acid residue is found in multiple mammalian species, which suggests that this missense change does not adversely affect protein function.